The following is an entry in ClinVar:

ClinVar aggregate classification (germline): Likely benign. Review status: criteria provided, multiple submitters, no conflicts (2 of 4 stars). 3 submissions from 3 submitters: Likely benign (3). Last evaluated 2025-08-29.

Allele frequency attached by ClinVar (database versions not stated): gnomAD exomes 0.00029; TOPMed 0.00032; ExAC 0.00038.
gnomAD v4.1: 383 of 1,519,834 alleles (0.025%); highest among the groups gnomAD compares: Admixed American, 0.098%; 1 homozygote.

Submissions (3):

Labcorp Genetics (formerly Invitae), Labcorp
Classification: Likely benign. Last evaluated: 2025-08-29. Review status: criteria provided, single submitter. Criteria: Invitae Variant Classification Sherloc (09022015). Collection method: clinical testing. Allele origin: germline.

Blueprint Genetics
Classification: Likely benign. Last evaluated: 2024-10-11. Review status: criteria provided, single submitter. Criteria: ACMG Guidelines, 2015. Collection method: clinical testing. Allele origin: germline.

CeGaT Center for Human Genetics Tuebingen
Classification: Likely benign. Last evaluated: 2022-04-01. Review status: criteria provided, single submitter. Criteria: CeGaT Center For Human Genetics Tuebingen Variant Classification Criteria Version 2. Collection method: clinical testing. Allele origin: germline. Affected: yes. Observed: 1 variant allele.
Comment: P3H2: BP4, BP7

NM_018192.4(P3H2):c.27G>C (p.Pro9=)

Genes: P3H2 (prolyl 3-hydroxylase 2; minus strand), LOC123464484 (Sharpr-MPRA regulatory region 10063; plus strand). Cytogenetic location: 3q28.
Variant type: single nucleotide variant.
Coding change: c.27G>C on transcript NM_018192.4 (MANE Select); coding-DNA position 27, G replaced by C.
Protein change: p.Pro9=; no amino-acid change (proline 9 retained).
Molecular consequence: synonymous variant. On other transcripts: intron variant (1).
Genome position (GRCh38, 1-based): chr3:190,120,705, C>G on the plus strand (G>C on the coding strand, the complement: P3H2 is on the minus strand). VCF-style: chr3-190120705-C-G. GRCh37 (hg19) VCF-style: chr3-189838494-C-G.
Other names: c.-64+1498G>C (NM_001134418.2).
Identifiers: ClinVar variation 1141235 (VCV001141235.32), dbSNP rs746901393, ClinGen allele CA2753456.